The following is an entry in ClinVar:

NM_172364.5(CACNA2D4):c.1850T>C (p.Met617Thr)

Gene: CACNA2D4 (calcium voltage-gated channel auxiliary subunit alpha2delta 4; minus strand). Cytogenetic location: 12p13.33.
Variant type: single nucleotide variant.
Coding change: c.1850T>C on transcript NM_172364.5 (MANE Select); coding-DNA position 1850, T replaced by C.
Protein change: p.Met617Thr; replaces methionine 617 with threonine.
Molecular consequence: missense variant.
Genome position (GRCh38, 1-based): chr12:1,874,632, A>G on the plus strand (T>C on the coding strand, the complement: CACNA2D4 is on the minus strand). VCF-style: chr12-1874632-A-G. GRCh37 (hg19) VCF-style: chr12-1983798-A-G.
Other names: short protein forms M617T.
Identifiers: ClinVar variation 1497495 (VCV001497495.8), dbSNP rs1865847914, ClinGen allele CA383350856.

ClinVar aggregate classification (germline): Uncertain significance (1 of 4 stars; one submission).

Allele frequency attached by ClinVar (database versions not stated): gnomAD 0.00001.
gnomAD v4.1: 1 of 1,613,128 alleles (0.000062%); highest among the groups gnomAD compares: Non-Finnish European, 0.000085%; no homozygotes.

Submission:

Labcorp Genetics (formerly Invitae), Labcorp
Classification: Uncertain significance. Last evaluated: 2021-06-08. Review status: criteria provided, single submitter. Criteria: Invitae Variant Classification Sherloc (09022015). Collection method: clinical testing. Allele origin: germline.
Comment: This sequence change replaces methionine with threonine at codon 617 of the CACNA2D4 protein (p.Met617Thr). The methionine residue is moderately conserved and there is a moderate physicochemical difference between methionine and threonine. This variant is not present in population databases (ExAC no frequency). This variant has not been reported in the literature in individuals with CACNA2D4-related conditions. Algorithms developed to predict the effect of missense changes on protein structure and function are either unavailable or do not agree on the potential impact of this missense change (SIFT: "Deleterious"; PolyPhen-2: "Benign"; Align-GVGD: "Class C0"). In summary, the available evidence is currently insufficient to determine the role of this variant in disease. Therefore, it has been classified as a Variant of Uncertain Significance.